The following is an entry in ClinVar:

ClinVar aggregate classification (germline): Uncertain significance (1 of 4 stars; one submission).

Allele frequency attached by ClinVar (database versions not stated): TOPMed below 0.00001; gnomAD 0.00002; ExAC 0.00003; gnomAD exomes 0.00003.
gnomAD v4.1: 18 of 1,613,940 alleles (0.0011%); highest among the groups gnomAD compares: East Asian, 0.0045%; no homozygotes.

Submission:

GeneDx
Classification: Uncertain significance. Last evaluated: 2021-02-11. Review status: criteria provided, single submitter. Criteria: GeneDx Variant Classification Process June 2021. Collection method: clinical testing. Allele origin: germline. Affected: yes.
Comment: In silico analysis, which includes protein predictors and evolutionary conservation, supports a deleterious effect; Has not been previously published as pathogenic or benign to our knowledge

NM_001098484.3(SLC4A4):c.859G>A (p.Val287Met)

Gene: SLC4A4 (solute carrier family 4 member 4; plus strand). Cytogenetic location: 4q13.3.
Variant type: single nucleotide variant.
Coding change: c.859G>A on transcript NM_001098484.3 (MANE Select); coding-DNA position 859, G replaced by A.
Protein change: p.Val287Met; replaces valine 287 with methionine.
Molecular consequence: missense variant.
Genome position (GRCh38, 1-based): chr4:71,440,667, G>A. VCF-style: chr4-71440667-G-A. GRCh37 (hg19) VCF-style: chr4-72306384-G-A.
Other names: c.859G>A, p.Val287Met (NM_001134742.2); c.727G>A, p.Val243Met (NM_003759.4); short protein forms V243M, V287M.
Identifiers: ClinVar variation 1310939 (VCV001310939.2), dbSNP rs201871554, ClinGen allele CA2954680.